The following is an entry in ClinVar:

NM_001378120.1(MBD5):c.23A>G (p.Asp8Gly)

Gene: MBD5 (methyl-CpG binding domain protein 5; plus strand). Cytogenetic location: 2q23.1.
Variant type: single nucleotide variant.
Coding change: c.23A>G on transcript NM_001378120.1 (MANE Select); coding-DNA position 23, A replaced by G.
Protein change: p.Asp8Gly; replaces aspartic acid 8 with glycine.
Molecular consequence: missense variant.
Genome position (GRCh38, 1-based): chr2:148,458,781, A>G. VCF-style: chr2-148458781-A-G. GRCh37 (hg19) VCF-style: chr2-149216350-A-G.
Other names: c.23A>G, p.Asp8Gly (NM_018328.5); short protein forms D8G.
Identifiers: ClinVar variation 3712979 (VCV003712979.2).

ClinVar aggregate classification (germline): Uncertain significance (1 of 4 stars; one submission).

Conditions:
Intellectual developmental disorder, autosomal dominant 1. Also called: MBD5 Haploinsufficiency; Intellectual disability, autosomal dominant 1. Identifiers: Orphanet 228402, MedGen C1969562, MONDO:0007974, OMIM 156200.

gnomAD v4.1: 2 of 1,613,556 alleles (0.00012%); highest among the groups gnomAD compares: Middle Eastern, 0.033%; no homozygotes.

Submission:

Labcorp Genetics (formerly Invitae), Labcorp
Classification: Uncertain significance for Intellectual developmental disorder, autosomal dominant 1. Last evaluated: 2024-04-25. Review status: criteria provided, single submitter. Criteria: Invitae Variant Classification Sherloc (09022015). Collection method: clinical testing. Allele origin: germline.
Comment: This sequence change replaces aspartic acid, which is acidic and polar, with glycine, which is neutral and non-polar, at codon 8 of the MBD5 protein (p.Asp8Gly). This variant is present in population databases (no rsID available, gnomAD 0.0009%). This variant has not been reported in the literature in individuals affected with MBD5-related conditions. Advanced modeling of protein sequence and biophysical properties (such as structural, functional, and spatial information, amino acid conservation, physicochemical variation, residue mobility, and thermodynamic stability) performed at Invitae indicates that this missense variant is not expected to disrupt MBD5 protein function with a negative predictive value of 80%. In summary, the available evidence is currently insufficient to determine the role of this variant in disease. Therefore, it has been classified as a Variant of Uncertain Significance.